The following is an entry in ClinVar:

ClinVar aggregate classification (germline): Likely pathogenic (1 of 4 stars; one submission).

Conditions:
Parkinson disease (PD). Identifiers: MedGen C0030567, MeSH D010300, MONDO:0005180.

Submission:

Molecular Genetics, Royal Melbourne Hospital
Classification: Likely pathogenic for Parkinson disease. Last evaluated: 2024-09-08. Review status: criteria provided, single submitter. Criteria: ACMG Guidelines, 2015. Collection method: clinical testing. Allele origin: germline. Inheritance: Autosomal recessive inheritance. Affected: yes.
Comment: This complex sequence change in PRKN is a frameshift variant predicted to create a premature stop codon, p.(Ala339Serfs*7), in biologically relevant exon 9/12 leading to nonsense-mediated decay in a gene in which loss-of-function is an established disease mechanism (PMID: 20301651). This variant is absent from the population database gnomAD v4.1. To our knowledge, this variant is novel and has not been previously reported in the relevant scientific literature or databases. Based on the classification scheme RMH Modified ACMG Guidelines v1.7.0, this variant is classified as LIKELY PATHOGENIC. Following criteria are met: PVS1, PM2_Supporting.

Literature cited by the submitters: PubMed 20301651.

NM_004562.3(PRKN):c.1014_1028delinsGAGCCAGGCTGTG (p.Ala339fs)

Gene: PRKN (parkin RBR E3 ubiquitin protein ligase; minus strand). Cytogenetic location: 6q26.
Variant type: Indel.
Coding change: c.1014_1028delinsGAGCCAGGCTGTG on transcript NM_004562.3 (MANE Select); coding-DNA positions 1014 to 1028, AGCGGGGCTGCTGCC replaced by GAGCCAGGCTGTG.
Protein change: p.Ala339fs; shifts the reading frame from alanine 339.
Molecular consequence: frameshift variant.
Genome position (GRCh38, 1-based): chr6:161,548,909-161,548,923, GGCAGCAGCCCCGCT replaced by CACAGCCTGGCTC on the plus strand (AGCGGGGCTGCTGCC replaced by GAGCCAGGCTGTG on the coding strand, the reverse complement: PRKN is on the minus strand). VCF-style: chr6-161548909-GGCAGCAGCCCCGCT-CACAGCCTGGCTC. GRCh37 (hg19) VCF-style: chr6-161969941-GGCAGCAGCCCCGCT-CACAGCCTGGCTC.
Other names: c.930_944delinsGAGCCAGGCTGTG, p.Ala311fs (NM_013987.3); c.567_581delinsGAGCCAGGCTGTG, p.Ala190fs (NM_013988.3); short protein forms A190fs, A311fs, A339fs.
Identifiers: ClinVar variation 3773765 (VCV003773765.1).
Genomic context (GRCh38, chr6:161,548,909, plus strand): 5'-CTCACCCCACAGCCCAGGCCATTGCCCCCTTCGCAGGTGACTTTCCTCTGGTCAGGCTCC[GGCAGCAGCCCCGCT>CACAGCCTGGCTC]CCACAGCCAGGGCGGGGGCATAACACGCCCCCCATCTGCAGGACACACTCCTCTGCACCA-3'